The following is an entry in ClinVar:

NM_001267550.2(TTN):c.84604T>C (p.Ser28202Pro)

Genes: TTN (titin; minus strand), TTN-AS1 (TTN antisense RNA 1; plus strand). Cytogenetic location: 2q31.2.
Variant type: single nucleotide variant.
Coding change: c.84604T>C on transcript NM_001267550.2 (MANE Select); coding-DNA position 84604, T replaced by C.
Protein change: p.Ser28202Pro; replaces serine 28202 with proline.
Molecular consequence: missense variant.
Genome position (GRCh38, 1-based): chr2:178,561,528, A>G on the plus strand (T>C on the coding strand, the complement: TTN is on the minus strand). VCF-style: chr2-178561528-A-G. GRCh37 (hg19) VCF-style: chr2-179426255-A-G.
Other names: c.79681T>C, p.Ser26561Pro (NM_001256850.1); c.57409T>C, p.Ser19137Pro (NM_003319.4); c.76900T>C, p.Ser25634Pro (NM_133378.4); c.57784T>C, p.Ser19262Pro (NM_133432.3); c.57985T>C, p.Ser19329Pro (NM_133437.4); short protein forms S19137P, S19262P, S19329P, S25634P, S26561P, S28202P.
Identifiers: ClinVar variation 5037865 (VCV005037865.1).
Genomic context (GRCh38, chr2:178,561,528, plus strand): 5'-CTTCATCAAGGCCGGAGACTTTCATTTGAGTATCAGCAATGAGGATTTTATTTGCTTTTG[A>G]CCAAAGAATGCTGCTTCTTTCTTTATACTCAAGATGATAGCCAATTACTCGACTTCCTCC-3'
Protein context (NP_001254479.2, residues 28192-28212): EYKERSSILW[Ser28202Pro]KANKILIADT

ClinVar aggregate classification (germline): Likely benign (1 of 4 stars; one submission).

gnomAD v4.1: 1 of 1,613,434 alleles (0.000062%); no homozygotes.

Submission:

Molecular Diagnostic Laboratory for Inherited Cardiovascular Disease, Montreal Heart Institute
Classification: Likely benign. Last evaluated: 2026-09-21. Review status: criteria provided, single submitter. Criteria: ACMG Guidelines, 2015. Collection method: clinical testing. Allele origin: germline. Affected: no.
Comment: BP1